The following is an entry in ClinVar:

ClinVar aggregate classification (germline): Pathogenic. Review status: criteria provided, multiple submitters, no conflicts (2 of 4 stars). 3 submissions from 3 submitters: Pathogenic (3). Last evaluated 2024-03-07.

Conditions:
Hereditary cancer-predisposing syndrome. Also called: Neoplastic Syndromes, Hereditary; Hereditary Cancer Syndrome; Tumor predisposition; Hereditary neoplastic syndrome. Identifiers: Orphanet 140162, MedGen C0027672, MeSH D009386, MONDO:0015356.
Neurofibromatosis, type 1 (NF1). Also called: Peripheral type neurofibromatosis; VON RECKLINGHAUSEN DISEASE; NEUROFIBROMATOSIS, TYPE I, SOMATIC; Neurofibromatosis, type I. Identifiers: Orphanet 636, MedGen C0027831, MONDO:0018975, OMIM 162200. Disease mechanism: loss of function.

Submissions (3):

Labcorp Genetics (formerly Invitae), Labcorp
Classification: Pathogenic for Neurofibromatosis, type 1. Last evaluated: 2024-03-07. Review status: criteria provided, single submitter. Criteria: Invitae Variant Classification Sherloc (09022015). Collection method: clinical testing. Allele origin: germline.
Comment: This sequence change creates a premature translational stop signal (p.His819Metfs*2) in the NF1 gene. It is expected to result in an absent or disrupted protein product. Loss-of-function variants in NF1 are known to be pathogenic (PMID: 10712197, 23913538). This variant is not present in population databases (gnomAD no frequency). This premature translational stop signal has been observed in individual(s) with personal and/or family history of cancer (PMID: 31159747). ClinVar contains an entry for this variant (Variation ID: 584470). For these reasons, this variant has been classified as Pathogenic.

Genome-Nilou Lab
Classification: Pathogenic for Neurofibromatosis, type 1. Last evaluated: 2022-03-15. Review status: criteria provided, single submitter. Criteria: ACMG Guidelines, 2015. Collection method: clinical testing. Allele origin: germline. Affected: no.

GeneKor MSA
Classification: Pathogenic for Hereditary cancer-predisposing syndrome. Last evaluated: 2020-01-01. Review status: criteria provided, single submitter. Criteria: ACMG Guidelines, 2015. Collection method: clinical testing. Allele origin: germline. Affected: yes.
Comment: This variant is a single base pair deletion from exon 21 of the NF1 mRNA, causing a frameshift after codon 819 and this creates a premature translational stop signal 2 amino acid residues later. This is expected to result in an absent or disrupted protein product. Truncating variants in NF1 are known to be pathogenic (PMID: 10712197, 23913538). This variant has been described in the international literature in an individual undergoing panel testing for hereditary syndrome (PMID: 31159747).

Literature cited by the submitters: PubMed 10712197 (cited by Labcorp Genetics (formerly Invitae), Labcorp); PubMed 23913538 (cited by Labcorp Genetics (formerly Invitae), Labcorp); PubMed 31159747 (cited by Labcorp Genetics (formerly Invitae), Labcorp).

NM_001042492.3(NF1):c.2455del (p.His819fs)

Gene: NF1 (neurofibromin 1; plus strand). Cytogenetic location: 17q11.2.
Variant type: Deletion.
Coding change: c.2455del on transcript NM_001042492.3 (MANE Select); coding-DNA position 2455, one base deleted (C; older notation c.2455delC).
Protein change: p.His819fs; shifts the reading frame from histidine 819.
Molecular consequence: frameshift variant.
Genome position (GRCh38, 1-based): chr17:31,229,070, C deleted; the last of 3 consecutive C bases (chr17:31,229,068-31,229,070); deleting any one gives the same sequence. VCF-style (leftmost placement, unchanged base first): chr17-31229067-TC-T. GRCh37 (hg19) VCF-style: chr17-29556085-TC-T.
Other names: c.2455delC (NM_000267.3); c.2455delC, p.His819Metfs (NM_000267.4); short protein forms H819fs.
Identifiers: ClinVar variation 584470 (VCV000584470.8), dbSNP rs1567848761, ClinGen allele CA891844372.